The following is an entry in ClinVar:

NM_000836.4(GRIN2D):c.2888G>A (p.Arg963His)

Gene: GRIN2D (glutamate ionotropic receptor NMDA type subunit 2D; plus strand). Cytogenetic location: 19q13.33.
Variant type: single nucleotide variant.
Coding change: c.2888G>A on transcript NM_000836.4 (MANE Select); coding-DNA position 2888, G replaced by A.
Protein change: p.Arg963His; replaces arginine 963 with histidine.
Molecular consequence: missense variant.
Genome position (GRCh38, 1-based): chr19:48,442,814, G>A. VCF-style: chr19-48442814-G-A. GRCh37 (hg19) VCF-style: chr19-48946071-G-A.
Other names: short protein forms R963H.
Identifiers: ClinVar variation 689624 (VCV000689624.7), dbSNP rs964725459, ClinGen allele CA309298899.

ClinVar aggregate classification (germline): Uncertain significance. Review status: criteria provided, multiple submitters, no conflicts (2 of 4 stars). 3 submissions from 3 submitters: Uncertain significance (3). Last evaluated 2026-01-13.

Conditions:
Developmental and epileptic encephalopathy, 46 (DEE46). Also called: GRIN2D-Related Developmental and Epileptic Encephalopathy; Epileptic encephalopathy, early infantile, 46. Identifiers: MedGen C4310687, MONDO:0014947, OMIM 617162.
Inborn genetic diseases. Identifiers: MedGen C0950123, MeSH D030342.

Allele frequency attached by ClinVar (database versions not stated): TOPMed 0.00003; gnomAD exomes 0.00004; gnomAD 0.00006 and 0.00007.
gnomAD v4.1: 48 of 1,067,112 alleles (0.0045%); highest among the groups gnomAD compares: Middle Eastern, 0.043%; no homozygotes.

Submissions (3):

Labcorp Genetics (formerly Invitae), Labcorp
Classification: Uncertain significance. Last evaluated: 2026-01-13. Review status: criteria provided, single submitter. Criteria: Invitae Variant Classification Sherloc (09022015). Collection method: clinical testing. Allele origin: germline.
Comment: This sequence change replaces arginine, which is basic and polar, with histidine, which is basic and polar, at codon 963 of the GRIN2D protein (p.Arg963His). The frequency data for this variant in the population databases is considered unreliable, as metrics indicate insufficient coverage at this position in the gnomAD database. This variant has not been reported in the literature in individuals affected with GRIN2D-related conditions. ClinVar contains an entry for this variant (Variation ID: 689624). Invitae Evidence Modeling of protein sequence and biophysical properties (such as structural, functional, and spatial information, amino acid conservation, physicochemical variation, residue mobility, and thermodynamic stability) indicates that this missense variant is not expected to disrupt GRIN2D protein function with a negative predictive value of 95%. In summary, the available evidence is currently insufficient to determine the role of this variant in disease. Therefore, it has been classified as a Variant of Uncertain Significance.

Ambry Genetics
Classification: Uncertain significance for Inborn genetic diseases. Last evaluated: 2023-10-16. Review status: criteria provided, single submitter. Criteria: Ambry Variant Classification Scheme 2023. Collection method: clinical testing. Allele origin: germline.

HudsonAlpha Institute for Biotechnology
Classification: Uncertain significance for Developmental and epileptic encephalopathy, 46. Last evaluated: 2019-07-26. Review status: criteria provided, single submitter. Criteria: ACMG Guidelines, 2015. Collection method: research. Allele origin: unknown. Observed: 1 variant allele. Study: HudsonAlpha-AGHI-WGS.